The following is an entry in ClinVar:

NM_017780.4(CHD7):c.8004T>C (p.Asp2668=)

Gene: CHD7 (chromodomain helicase DNA binding protein 7; plus strand). Cytogenetic location: 8q12.2.
Variant type: single nucleotide variant.
Coding change: c.8004T>C on transcript NM_017780.4 (MANE Select); coding-DNA position 8004, T replaced by C.
Protein change: p.Asp2668=; no amino-acid change (aspartic acid 2668 retained).
Molecular consequence: synonymous variant.
Genome position (GRCh38, 1-based): chr8:60,862,580, T>C. VCF-style: chr8-60862580-T-C. GRCh37 (hg19) VCF-style: chr8-61775139-T-C.
Other names: c.1857T>C, p.Asp619= (NM_001316690.1).
Identifiers: ClinVar variation 3032927 (VCV003032927.4), dbSNP rs1363359466, ClinGen allele CA460846883.

ClinVar aggregate classification (germline): Likely benign. Review status: criteria provided, single submitter (1 of 4 stars). 2 submissions from 2 submitters: Likely benign (1). 1 of the submissions does not count toward it. Last evaluated 2025-10-15.

Conditions:
CHD7-related disorder. Also called: CHD7-related condition.
CHARGE syndrome (CHARGE). Also called: Hittner Hirsch Kreh syndrome; CHARGE ASSOCIATION--COLOBOMA, HEART ANOMALY, CHOANAL ATRESIA, RETARDATION, GENITAL AND EAR ANOMALIES; Coloboma, heart anomaly, choanal atresia, retardation, genital and ear anomalies; CHARGE association; Hall-Hittner syndrome. Identifiers: Orphanet 138, MedGen C0265354, MONDO:0008965.

Submissions (2):

Labcorp Genetics (formerly Invitae), Labcorp
Classification: Likely benign for CHARGE syndrome. Last evaluated: 2025-10-15. Review status: criteria provided, single submitter. Criteria: Invitae Variant Classification Sherloc (09022015). Collection method: clinical testing. Allele origin: germline.

PreventionGenetics, part of Exact Sciences
Classification: Likely benign for CHD7-related condition. Last evaluated: 2023-11-07. Review status: no assertion criteria provided. Collection method: clinical testing. Allele origin: germline. Not counted in ClinVar's aggregate classification.
Comment: This variant is classified as likely benign based on ACMG/AMP sequence variant interpretation guidelines (Richards et al. 2015 PMID: 25741868, with internal and published modifications).